The following is an entry in ClinVar:

NM_024675.4(PALB2):c.1217C>T (p.Ala406Val)

Gene: PALB2 (partner and localizer of BRCA2; minus strand). Cytogenetic location: 16p12.2.
Variant type: single nucleotide variant.
Coding change: c.1217C>T on transcript NM_024675.4 (MANE Select); coding-DNA position 1217, C replaced by T.
Protein change: p.Ala406Val; replaces alanine 406 with valine.
Molecular consequence: missense variant.
Genome position (GRCh38, 1-based): chr16:23,635,329, G>A on the plus strand (C>T on the coding strand, the complement: PALB2 is on the minus strand). VCF-style: chr16-23635329-G-A. GRCh37 (hg19) VCF-style: chr16-23646650-G-A.
Other names: short protein forms A406V.
Identifiers: ClinVar variation 410142 (VCV000410142.30), dbSNP rs1060502757, ClinGen allele CA16614898.
Genomic context (GRCh38, chr16:23,635,329, plus strand): 5'-TCCACGGCTACTTTCCTCTGGCAATTGGACATGCTTCGTGTTGTTCTAACATAATATTCT[G>A]CAGGAAACAGAAGGCCTTCAGGCACTGTGCAAGAATGTTTTTCTGCAGAAAGAGGAGAGG-3'
Protein context (NP_078951.2, residues 396-416): CTVPEGLLFP[Ala406Val]EYYVRTTRSM

ClinVar aggregate classification (germline): Conflicting classifications of pathogenicity. Review status: criteria provided, conflicting classifications (1 of 4 stars). 10 submissions from 10 submitters: Uncertain significance (9); Likely benign (1). Last evaluated 2026-08-06.

Conditions:
Fanconi anemia complementation group N. Also called: PALB2-Related Fanconi Anemia. Identifiers: Orphanet 84, MedGen C1835817, MONDO:0012565, OMIM 610832. Disease mechanism: loss of function.
Familial cancer of breast. Also called: BREAST CANCER, FAMILIAL; hereditary breast carcinoma; Hereditary breast cancer. Identifiers: Orphanet 227535, MedGen C0346153, MONDO:0016419, OMIM 114480. Disease mechanism: loss of function.
Pancreatic cancer, susceptibility to, 3. Identifiers: Orphanet 1333, MedGen C3150547, MONDO:0013236, OMIM 613348.
Hereditary cancer-predisposing syndrome. Also called: Neoplastic Syndromes, Hereditary; Hereditary neoplastic syndrome; Hereditary Cancer Syndrome; Tumor predisposition. Identifiers: Orphanet 140162, MedGen C0027672, MeSH D009386, MONDO:0015356.

Allele frequency attached by ClinVar (database versions not stated): TOPMed 0.00002.
gnomAD v4.1: 4 of 1,613,940 alleles (0.00025%); highest among the groups gnomAD compares: Non-Finnish European, 0.00034%; no homozygotes.

Submissions (10):

OLLIN Analises Genomicas, OLLIN
Classification: Uncertain significance for Pancreatic cancer, susceptibility to, 3. Last evaluated: 2026-08-06. Review status: criteria provided, single submitter. Criteria: ACMG Guidelines 2015 PMID 25741868. Collection method: clinical testing. Allele origin: germline. Inheritance: Autosomal recessive inheritance.
Comment: This missense variant, located in exon 4 (of 13), has been reported in ClinVar (accession VCV000919015.4) and in gnomAD with an allele frequency of 0.00025%. However, to our knowledge, it has not been reported in the scientific literature. In silico analysis is inconclusive regarding the impact of this variant. According to the currently available evidence, this variant has been classified as uncertain significance (PM2_P).

Labcorp Genetics (formerly Invitae), Labcorp
Classification: Uncertain significance for Familial cancer of breast. Last evaluated: 2025-07-27. Review status: criteria provided, single submitter. Criteria: Invitae Variant Classification Sherloc (09022015). Collection method: clinical testing. Allele origin: germline.
Comment: This sequence change replaces alanine, which is neutral and non-polar, with valine, which is neutral and non-polar, at codon 406 of the PALB2 protein (p.Ala406Val). This variant is not present in population databases (gnomAD no frequency). This missense change has been observed in individual(s) with breast cancer (PMID: 35264596). ClinVar contains an entry for this variant (Variation ID: 410142). Invitae Evidence Modeling of protein sequence and biophysical properties (such as structural, functional, and spatial information, amino acid conservation, physicochemical variation, residue mobility, and thermodynamic stability) indicates that this missense variant is not expected to disrupt PALB2 protein function with a negative predictive value of 80%. In summary, the available evidence is currently insufficient to determine the role of this variant in disease. Therefore, it has been classified as a Variant of Uncertain Significance.

Institute for Biomarker Research, Medical Diagnostic Laboratories, L.L.C.
Classification: Uncertain significance for Hereditary cancer-predisposing syndrome. Last evaluated: 2025-03-14. Review status: criteria provided, single submitter. Criteria: ACMG Guidelines, 2015. Collection method: clinical testing. Allele origin: germline.
Comment: The missense variant NM_024675.4(PALB2):c.1217C>T (p.Ala406Val) has not been reported previously as a pathogenic variant, to our knowledge. The p.Ala406Val variant is novel (not in any individuals) in 1kG. There is a small physicochemical difference between alanine and valine, which is not likely to impact secondary protein structure as these residues share similar properties. For these reasons, this variant has been classified as Uncertain Significance

Ambry Genetics
Classification: Likely benign for Hereditary cancer-predisposing syndrome. Last evaluated: 2024-10-25. Review status: criteria provided, single submitter. Criteria: Ambry Variant Classification Scheme 2023. Collection method: clinical testing. Allele origin: germline.

Color Diagnostics, LLC DBA Color Health
Classification: Uncertain significance for Hereditary cancer-predisposing syndrome. Last evaluated: 2024-03-26. Review status: criteria provided, single submitter. Criteria: ACMG Guidelines, 2015. Collection method: clinical testing. Allele origin: germline.
Comment: This missense variant replaces alanine with valine at codon 406 of the PALB2 protein. Computational prediction suggests that this variant may not impact protein structure and function. To our knowledge, functional studies have not been reported for this variant. This variant has been reported in one individual affected with breast cancer (PMID: 35264596). This variant has not been identified in the general population by the Genome Aggregation Database (gnomAD). The available evidence is insufficient to determine the role of this variant in disease conclusively. Therefore, this variant is classified as a Variant of Uncertain Significance.

Baylor Genetics
Classification: Uncertain significance for Familial cancer of breast. Last evaluated: 2024-01-31. Review status: criteria provided, single submitter. Criteria: ACMG Guidelines, 2015. Collection method: clinical testing. Allele origin: unknown.

Fulgent Genetics
Classification: Uncertain significance for Familial cancer of breast; Fanconi anemia complementation group N; Pancreatic cancer, susceptibility to, 3. Last evaluated: 2022-04-14. Review status: criteria provided, single submitter. Criteria: ACMG Guidelines, 2015. Collection method: clinical testing. Allele origin: unknown.

Quest Diagnostics Nichols Institute San Juan Capistrano
Classification: Uncertain significance. Last evaluated: 2021-06-23. Review status: criteria provided, single submitter. Criteria: Quest Diagnostics criteria. Collection method: clinical testing. Allele origin: unknown.

GeneDx
Classification: Uncertain significance. Last evaluated: 2019-04-22. Review status: criteria provided, single submitter. Criteria: GeneDx Variant Classification Process June 2021. Collection method: clinical testing. Allele origin: germline. Affected: yes.
Comment: Not observed in large population cohorts (Lek et al., 2016); In silico analysis, which includes protein predictors and evolutionary conservation, supports that this variant does not alter protein structure/function; Has not been previously published as pathogenic or benign to our knowledge

Mendelics
Classification: Uncertain significance for Hereditary cancer-predisposing syndrome. Last evaluated: 2018-07-02. Review status: criteria provided, single submitter. Criteria: Mendelics Assertion Criteria 2017. Collection method: clinical testing. Allele origin: unknown.

Literature cited by the submitters: PubMed 35264596 (cited by 3 submitters).